The following is an entry in ClinVar:

NM_001080432.3(FTO):c.793A>G (p.Arg265Gly)

Gene: FTO (FTO alpha-ketoglutarate dependent dioxygenase; plus strand). Cytogenetic location: 16q12.2.
Variant type: single nucleotide variant.
Coding change: c.793A>G on transcript NM_001080432.3 (MANE Select); coding-DNA position 793, A replaced by G.
Protein change: p.Arg265Gly; replaces arginine 265 with glycine.
Molecular consequence: missense variant. On other transcripts: non-coding transcript variant (1), intron variant (2).
Genome position (GRCh38, 1-based): chr16:53,844,196, A>G. VCF-style: chr16-53844196-A-G. GRCh37 (hg19) VCF-style: chr16-53878108-A-G.
Other names: c.793A>G, p.Arg265Gly (NM_001363903.2, NM_001363988.2, NM_001438128.1 and 5 more transcripts); c.280A>G, p.Arg94Gly (NM_001363905.2); c.781+17675A>G (NM_001363899.2); c.751+17705A>G (NM_001363901.2); c.823A>G, p.Arg275Gly (NM_001363891.2, NM_001363898.2); c.715A>G, p.Arg239Gly (NM_001363897.2); c.793A>G (NM_001080432.2); short protein forms R239G, R275G, R94G, R265G.
Identifiers: ClinVar variation 1381748 (VCV001381748.4), dbSNP rs756019558, ClinGen allele CA8058448.

ClinVar aggregate classification (germline): Uncertain significance. Review status: criteria provided, multiple submitters, no conflicts (2 of 4 stars). 2 submissions from 2 submitters: Uncertain significance (2). Last evaluated 2025-10-02.

Conditions:
Inborn genetic diseases. Identifiers: MedGen C0950123, MeSH D030342.

Allele frequency attached by ClinVar (database versions not stated): gnomAD exomes 0.00003 and 0.00001; gnomAD 0.00004; ExAC 0.00002; TOPMed 0.00003.
gnomAD v4.1: 49 of 1,613,582 alleles (0.003%); highest among the groups gnomAD compares: Non-Finnish European, 0.0038%; no homozygotes.

Submissions (2):

Ambry Genetics
Classification: Uncertain significance for Inborn genetic diseases. Last evaluated: 2025-10-02. Review status: criteria provided, single submitter. Criteria: Ambry Variant Classification Scheme 2023. Collection method: clinical testing. Allele origin: germline.

Labcorp Genetics (formerly Invitae), Labcorp
Classification: Uncertain significance. Last evaluated: 2022-08-22. Review status: criteria provided, single submitter. Criteria: Invitae Variant Classification Sherloc (09022015). Collection method: clinical testing. Allele origin: germline.
Comment: This sequence change replaces arginine, which is basic and polar, with glycine, which is neutral and non-polar, at codon 265 of the FTO protein (p.Arg265Gly). This variant is present in population databases (rs756019558, gnomAD 0.003%). This variant has not been reported in the literature in individuals affected with FTO-related conditions. ClinVar contains an entry for this variant (Variation ID: 1381748). Algorithms developed to predict the effect of missense changes on protein structure and function are either unavailable or do not agree on the potential impact of this missense change (SIFT: "Deleterious"; PolyPhen-2: "Probably Damaging"; Align-GVGD: "Class C0"). In summary, the available evidence is currently insufficient to determine the role of this variant in disease. Therefore, it has been classified as a Variant of Uncertain Significance.